The following is an entry in ClinVar:

ClinVar aggregate classification (germline): Uncertain significance (1 of 4 stars; one submission).

Submission:

GeneDx
Classification: Uncertain significance. Last evaluated: 2025-04-02. Review status: criteria provided, single submitter. Criteria: GeneDx Variant Classification Process June 2021. Collection method: clinical testing. Allele origin: germline. Affected: yes.
Comment: Not observed at significant frequency in large population cohorts (gnomAD); In silico analysis indicates that this missense variant does not alter protein structure/function; In silico analysis suggests this variant may impact gene splicing. In the absence of RNA/functional studies, the actual effect of this sequence change is unknown.; Has not been previously published as pathogenic or benign to our knowledge

NM_015557.3(CHD5):c.5000C>G (p.Pro1667Arg)

Gene: CHD5 (chromodomain helicase DNA binding protein 5; minus strand). Cytogenetic location: 1p36.31.
Variant type: single nucleotide variant.
Coding change: c.5000C>G on transcript NM_015557.3 (MANE Select); coding-DNA position 5000, C replaced by G.
Protein change: p.Pro1667Arg; replaces proline 1667 with arginine.
Molecular consequence: missense variant.
Genome position (GRCh38, 1-based): chr1:6,112,911, G>C on the plus strand (C>G on the coding strand, the complement: CHD5 is on the minus strand). VCF-style: chr1-6112911-G-C. GRCh37 (hg19) VCF-style: chr1-6172971-G-C.
Other names: short protein forms P1667R.
Identifiers: ClinVar variation 4278882 (VCV004278882.1).